The following is an entry in ClinVar:

ClinVar aggregate classification (germline): Conflicting classifications of pathogenicity. Review status: criteria provided, conflicting classifications (1 of 4 stars). 2 submissions from 2 submitters: Uncertain significance (1); Likely benign (1). Last evaluated 2022-12-23.

Conditions:
Cardiovascular phenotype. Identifiers: MedGen CN230736.
Dilated cardiomyopathy 1DD (CMD1DD). Identifiers: Orphanet 154, MedGen C2750995, MONDO:0013168, OMIM 613172.

Allele frequency attached by ClinVar (database versions not stated): gnomAD exomes below 0.00001.
gnomAD v4.1: 2 of 1,551,988 alleles (0.00013%); highest among the groups gnomAD compares: Non-Finnish European, 0.000087%; no homozygotes.

Submissions (2):

Ambry Genetics
Classification: Uncertain significance for Cardiovascular phenotype. Last evaluated: 2022-12-23. Review status: criteria provided, single submitter. Criteria: Ambry Variant Classification Scheme 2023. Collection method: clinical testing. Allele origin: germline.
Comment: The p.E576G variant (also known as c.1727A>G), located in coding exon 7 of the RBM20 gene, results from an A to G substitution at nucleotide position 1727. The glutamic acid at codon 576 is replaced by glycine, an amino acid with similar properties. This amino acid position is conserved. In addition, the in silico prediction for this alteration is inconclusive. Since supporting evidence is limited at this time, the clinical significance of this alteration remains unclear.

Labcorp Genetics (formerly Invitae), Labcorp
Classification: Likely benign for Dilated cardiomyopathy 1DD. Last evaluated: 2022-12-23. Review status: criteria provided, single submitter. Criteria: Invitae Variant Classification Sherloc (09022015). Collection method: clinical testing. Allele origin: germline.

NM_001134363.3(RBM20):c.1727A>G (p.Glu576Gly)

Gene: RBM20 (RNA binding motif protein 20; plus strand). Cytogenetic location: 10q25.2.
Variant type: single nucleotide variant.
Coding change: c.1727A>G on transcript NM_001134363.3 (MANE Select); coding-DNA position 1727, A replaced by G.
Protein change: p.Glu576Gly; replaces glutamic acid 576 with glycine.
Molecular consequence: missense variant.
Genome position (GRCh38, 1-based): chr10:110,799,845, A>G. VCF-style: chr10-110799845-A-G. GRCh37 (hg19) VCF-style: chr10-112559603-A-G.
Other names: short protein forms E576G.
Identifiers: ClinVar variation 2449388 (VCV002449388.5), dbSNP rs1423156198, ClinGen allele CA378390755.